The following is an entry in ClinVar:

ClinVar aggregate classification (germline): Uncertain significance. Review status: criteria provided, multiple submitters, no conflicts (2 of 4 stars). 3 submissions from 3 submitters: Uncertain significance (3). Last evaluated 2025-11-25.

Conditions:
Hereditary cancer-predisposing syndrome. Also called: Tumor predisposition; Neoplastic Syndromes, Hereditary; Hereditary Cancer Syndrome; Hereditary neoplastic syndrome. Identifiers: Orphanet 140162, MedGen C0027672, MeSH D009386, MONDO:0015356.
Familial melanoma. Also called: Hereditary melanoma; Hereditary cutaneous melanoma. Identifiers: Orphanet 618, MedGen C1512419, MONDO:0018961.

gnomAD v4.1: 1 of 1,601,876 alleles (0.000062%); highest among the groups gnomAD compares: Non-Finnish European, 0.000085%; no homozygotes.

Submissions (3):

Labcorp Genetics (formerly Invitae), Labcorp
Classification: Uncertain significance for Familial melanoma. Last evaluated: 2025-11-25. Review status: criteria provided, single submitter. Criteria: Invitae Variant Classification Sherloc (09022015). Collection method: clinical testing. Allele origin: germline.
Comment: This sequence change replaces glycine, which is neutral and non-polar, with valine, which is neutral and non-polar, at codon 6 of the CDKN2A (p16INK4a) protein (p.Gly6Val). This variant is not present in population databases (gnomAD no frequency). This variant has not been reported in the literature in individuals affected with CDKN2A (p16INK4a)-related conditions. ClinVar contains an entry for this variant (Variation ID: 220777). An algorithm developed to predict the effect of missense changes on protein structure and function (PolyPhen-2) suggests that this variant is likely to be tolerated. In summary, the available evidence is currently insufficient to determine the role of this variant in disease. Therefore, it has been classified as a Variant of Uncertain Significance.

Ambry Genetics
Classification: Uncertain significance for Hereditary cancer-predisposing syndrome. Last evaluated: 2025-03-05. Review status: criteria provided, single submitter. Criteria: Ambry Variant Classification Scheme 2023. Collection method: clinical testing. Allele origin: germline.
Comment: The p.G6V variant (also known as c.17G>T), located in coding exon 1 of the CDKN2A gene, results from a G to T substitution at nucleotide position 17. The glycine at codon 6 is replaced by valine, an amino acid with dissimilar properties. This amino acid position is highly conserved in available vertebrate species. In addition, this alteration is predicted to be tolerated by in silico analysis. Based on the available evidence, the clinical significance of this variant remains unclear.

Color Diagnostics, LLC DBA Color Health
Classification: Uncertain significance for Hereditary cancer-predisposing syndrome. Last evaluated: 2018-12-12. Review status: criteria provided, single submitter. Criteria: ACMG Guidelines, 2015. Collection method: clinical testing. Allele origin: germline.

NM_000077.5(CDKN2A):c.17G>T (p.Gly6Val)

Gene: CDKN2A (cyclin dependent kinase inhibitor 2A; minus strand). Cytogenetic location: 9p21.3.
Variant type: single nucleotide variant.
Coding change: c.17G>T on transcript NM_000077.5; coding-DNA position 17, G replaced by T.
Protein change: p.Gly6Val; replaces glycine 6 with valine.
Molecular consequence: missense variant (on NM_000077.6). On other transcripts: intron variant (2).
Genome position (GRCh38, 1-based): chr9:21,974,811, C>A on the plus strand (G>T on the coding strand, the complement: CDKN2A is on the minus strand). VCF-style: chr9-21974811-C-A. GRCh37 (hg19) VCF-style: chr9-21974810-C-A.
Other names: c.17G>T, p.Gly6Val (NM_000077.6, NM_001195132.2, NM_058197.5); c.-3-3603G>T (NM_001363763.2); c.194-3603G>T (NM_058195.4); short protein forms G6V.
Identifiers: ClinVar variation 220777 (VCV000220777.18), dbSNP rs864622656, ClinGen allele CA349077.